The following is an entry in ClinVar:

NM_000138.5(FBN1):c.7550A>G (p.Gln2517Arg)

Gene: FBN1 (fibrillin 1; minus strand). Cytogenetic location: 15q21.1.
Variant type: single nucleotide variant.
Coding change: c.7550A>G on transcript NM_000138.5 (MANE Select); coding-DNA position 7550, A replaced by G.
Protein change: p.Gln2517Arg; replaces glutamine 2517 with arginine.
Molecular consequence: missense variant.
Genome position (GRCh38, 1-based): chr15:48,421,972, T>C on the plus strand (A>G on the coding strand, the complement: FBN1 is on the minus strand). VCF-style: chr15-48421972-T-C. GRCh37 (hg19) VCF-style: chr15-48714169-T-C.
Other names: c.7550A>G, p.Gln2517Arg (NM_001406716.1); short protein forms Q2517R.
Identifiers: ClinVar variation 3277940 (VCV003277940.1).
Genomic context (GRCh38, chr15:48,421,972, plus strand): 5'-TCGCTACAATCCATGTAGGATTTTTTCCTCTCCTACTCACCAATGCAGGACGTATGGTGT[T>C]GGGTAAATCCGGGAGGACATTTGCATGTGAAGCCGCCAATGGTGTTAACACATAGGAACT-3'
Protein context (NP_000129.3, residues 2507-2527): FTCKCPPGFT[Gln2517Arg]HHTSCIDNNE

ClinVar aggregate classification (germline): Uncertain significance (1 of 4 stars; one submission).

Conditions:
Familial thoracic aortic aneurysm and aortic dissection (TAAD). Also called: Thoracic aortic aneurysms and dissections. Identifiers: Orphanet 91387, MedGen C4707243, MONDO:0019625.

gnomAD v4.1: 3 of 1,613,474 alleles (0.00019%); highest among the groups gnomAD compares: African/African-American, 0.004%; no homozygotes.

Submission:

Ambry Genetics
Classification: Uncertain significance for Familial thoracic aortic aneurysm and aortic dissection. Last evaluated: 2024-05-01. Review status: criteria provided, single submitter. Criteria: Ambry Variant Classification Scheme 2023. Collection method: clinical testing. Allele origin: germline.
Comment: The p.Q2517R variant (also known as c.7550A>G), located in coding exon 60 of the FBN1 gene, results from an A to G substitution at nucleotide position 7550. The glutamine at codon 2517 is replaced by arginine, an amino acid with highly similar properties. This amino acid position is highly conserved in available vertebrate species. In addition, this alteration is predicted to be deleterious by in silico analysis. Based on the available evidence, the clinical significance of this variant remains unclear.